The following is an entry in ClinVar:

NM_001374736.1(DST):c.13810A>G (p.Lys4604Glu)

Gene: DST (dystonin; minus strand). Cytogenetic location: 6p12.1.
Variant type: single nucleotide variant.
Coding change: c.13810A>G on transcript NM_001374736.1 (MANE Select); coding-DNA position 13810, A replaced by G.
Protein change: p.Lys4604Glu; replaces lysine 4604 with glutamic acid.
Molecular consequence: missense variant.
Genome position (GRCh38, 1-based): chr6:56,569,924, T>C on the plus strand (A>G on the coding strand, the complement: DST is on the minus strand). VCF-style: chr6-56569924-T-C. GRCh37 (hg19) VCF-style: chr6-56434722-T-C.
Other names: c.7453A>G, p.Lys2485Glu (NM_001144769.5); c.7039A>G, p.Lys2347Glu (NM_001144770.2); c.13810A>G, p.Lys4604Glu (NM_001374722.1); c.13177A>G, p.Lys4393Glu (NM_001374729.1); c.6919A>G, p.Lys2307Glu (NM_001374730.1, NM_001386100.1, NM_183380.4); c.13837A>G, p.Lys4613Glu (NM_001374734.1); c.5941A>G, p.Lys1981Glu (NM_015548.5); short protein forms K2307E, K4613E, K4604E, K2347E, K2485E, K1981E, K4393E.
Identifiers: ClinVar variation 1994916 (VCV001994916.4), dbSNP rs2097755600, ClinGen allele CA364525385.

ClinVar aggregate classification (germline): Uncertain significance (1 of 4 stars; one submission).

Conditions:
Epidermolysis bullosa simplex 3, localized or generalized intermediate, with BP230 deficiency (EBS3). Also called: Epidermolysis bullosa simplex, autosomal recessive 2; Epidermolysis bullosa simplex due to BP230 deficiency. Identifiers: Orphanet 412181, MedGen C3809470, MONDO:0014180, OMIM 615425.
Hereditary sensory and autonomic neuropathy type 6. Also called: Neuropathy, hereditary sensory and autonomic, type VI; HSAN VI. Identifiers: Orphanet 314381, MedGen C3539003, MONDO:0013839, OMIM 614653.

Allele frequency attached by ClinVar (database versions not stated): gnomAD exomes below 0.00001.
gnomAD v4.1: 1 of 1,612,076 alleles (0.000062%); highest among the groups gnomAD compares: Non-Finnish European, 0.000085%; no homozygotes.

Submission:

Labcorp Genetics (formerly Invitae), Labcorp
Classification: Uncertain significance for Epidermolysis bullosa simplex 3, localized or generalized intermediate, with BP230 deficiency; Hereditary sensory and autonomic neuropathy type 6. Last evaluated: 2022-07-25. Review status: criteria provided, single submitter. Criteria: Invitae Variant Classification Sherloc (09022015). Collection method: clinical testing. Allele origin: germline.
Comment: This variant has not been reported in the literature in individuals affected with DST-related conditions. In summary, the available evidence is currently insufficient to determine the role of this variant in disease. Therefore, it has been classified as a Variant of Uncertain Significance. Experimental studies and prediction algorithms are not available or were not evaluated, and the functional significance of this variant is currently unknown. This variant is not present in population databases (gnomAD no frequency). This sequence change replaces lysine, which is basic and polar, with glutamic acid, which is acidic and polar, at codon 1981 of the DST protein (p.Lys1981Glu). The DST gene has multiple clinically relevant transcripts. This variant occurs in alternate transcript NM_015548.4, and corresponds to NM_001723.5:c.*45593A>G in the primary transcript.